The following is an entry in ClinVar:

NM_001267550.2(TTN):c.24138G>T (p.Leu8046Phe)

Gene: TTN (titin; minus strand). Cytogenetic location: 2q31.2.
Variant type: single nucleotide variant.
Coding change: c.24138G>T on transcript NM_001267550.2 (MANE Select); coding-DNA position 24138, G replaced by T.
Protein change: p.Leu8046Phe; replaces leucine 8046 with phenylalanine.
Molecular consequence: missense variant. On other transcripts: intron variant (3).
Genome position (GRCh38, 1-based): chr2:178,719,252, C>A on the plus strand (G>T on the coding strand, the complement: TTN is on the minus strand). VCF-style: chr2-178719252-C-A. GRCh37 (hg19) VCF-style: chr2-179583979-C-A.
Other names: c.23187G>T, p.Leu7729Phe (NM_001256850.1); c.20406G>T, p.Leu6802Phe (NM_133378.4); c.13282+18830G>T (NM_003319.4); c.13858+18830G>T (NM_133437.4); c.13657+18830G>T (NM_133432.3); short protein forms L7729F, L6802F, L8046F.
Identifiers: ClinVar variation 4978390 (VCV004978390.1).

ClinVar aggregate classification (germline): Uncertain significance (1 of 4 stars; one submission).

Conditions:
TTN-related disorder. Also called: TTN-related condition; TTN-related disease; TTN-related disorders.

gnomAD v4.1: 6 of 1,613,636 alleles (0.00037%); highest among the groups gnomAD compares: Non-Finnish European, 0.00051%; no homozygotes.

Submission:

PreventionGenetics, part of Exact Sciences
Classification: Uncertain significance for TTN-related condition. Last evaluated: 2026-04-08. Review status: criteria provided, single submitter. Criteria: ACMG Guidelines, 2015. Collection method: clinical testing. Allele origin: germline.
Comment: The TTN c.24138G>T variant is predicted to result in the amino acid substitution p.Leu8046Phe. To our knowledge, this variant has not been reported in the literature. This variant is reported in 0.00089% of alleles in individuals of European (Non-Finnish) descent in gnomAD. At this time, the clinical significance of this variant is uncertain due to the absence of conclusive functional and genetic evidence.